The following is an entry in ClinVar:

NM_005883.3(APC2):c.3915C>T (p.Gly1305=)

Gene: APC2 (APC regulator of Wnt signaling pathway 2; plus strand). Cytogenetic location: 19p13.3.
Variant type: single nucleotide variant.
Coding change: c.3915C>T on transcript NM_005883.3 (MANE Select); coding-DNA position 3915, C replaced by T.
Protein change: p.Gly1305=; no amino-acid change (glycine 1305 retained).
Molecular consequence: synonymous variant.
Genome position (GRCh38, 1-based): chr19:1,467,216, C>T. VCF-style: chr19-1467216-C-T. GRCh37 (hg19) VCF-style: chr19-1467215-C-T.
Other names: c.3912C>T, p.Gly1304= (NM_001351273.1).
Identifiers: ClinVar variation 3039877 (VCV003039877.2), dbSNP rs2084033219, ClinGen allele CA504897112.

ClinVar aggregate classification (germline): Likely benign (0 of 4 stars; one submission).

Conditions:
APC2-related disorder. Also called: APC2-related condition; APC2-Related Disorders.

Allele frequency attached by ClinVar (database versions not stated): TOPMed below 0.00001.

Submission:

PreventionGenetics, part of Exact Sciences
Classification: Likely benign for APC2-related condition. Last evaluated: 2019-09-17. Review status: no assertion criteria provided. Collection method: clinical testing. Allele origin: germline.
Comment: This variant is classified as likely benign based on ACMG/AMP sequence variant interpretation guidelines (Richards et al. 2015 PMID: 25741868, with internal and published modifications).